The following is an entry in ClinVar:

NM_002124.4(HLA-DRB1):c.300_301insAG (p.Arg101fs)

Gene: HLA-DRB1 (major histocompatibility complex, class II, DR beta 1; minus strand). Cytogenetic location: 6p21.32.
Variant type: Duplication.
Coding change: c.300_301insAG on transcript NM_002124.4 (MANE Select); coding-DNA positions 300 to 301, AG inserted.
Protein change: p.Arg101fs; shifts the reading frame from arginine 101.
Molecular consequence: frameshift variant.
Genome position: GRCh38 VCF-style: chr6-32584178-G-GCT. GRCh37 (hg19) VCF-style: chr6-32551955-G-GCT.
Other names: short protein forms R101fs.
Identifiers: ClinVar variation 3056296 (VCV003056296.2), dbSNP rs778205073, ClinGen allele CA3743237.

ClinVar aggregate classification (germline): Likely benign (0 of 4 stars; one submission).

Conditions:
HLA-DRB1-related disorder. Also called: HLA-DRB1-related condition.

Submission:

PreventionGenetics, part of Exact Sciences
Classification: Likely benign for HLA-DRB1-related condition. Last evaluated: 2020-12-17. Review status: no assertion criteria provided. Collection method: clinical testing. Allele origin: germline.
Comment: This variant is classified as likely benign based on ACMG/AMP sequence variant interpretation guidelines (Richards et al. 2015 PMID: 25741868, with internal and published modifications).